The following is an entry in ClinVar:

NM_022765.4(MICAL1):c.2645A>C (p.Asp882Ala)

Gene: MICAL1 (microtubule associated monooxygenase, calponin and LIM domain containing 1; minus strand). Cytogenetic location: 6q21.
Variant type: single nucleotide variant.
Coding change: c.2645A>C on transcript NM_022765.4 (MANE Select); coding-DNA position 2645, A replaced by C.
Protein change: p.Asp882Ala; replaces aspartic acid 882 with alanine.
Molecular consequence: missense variant.
Genome position (GRCh38, 1-based): chr6:109,445,799, T>G on the plus strand (A>C on the coding strand, the complement: MICAL1 is on the minus strand). VCF-style: chr6-109445799-T-G. GRCh37 (hg19) VCF-style: chr6-109767002-T-G.
Other names: c.2387A>C, p.Asp796Ala (NM_001159291.2); c.2702A>C, p.Asp901Ala (NM_001286613.2); short protein forms D796A, D882A, D901A.
Identifiers: ClinVar variation 2419310 (VCV002419310.5), dbSNP rs369062311, ClinGen allele CA3952826.

ClinVar aggregate classification (germline): Uncertain significance (1 of 4 stars; one submission).

Allele frequency attached by ClinVar (database versions not stated): gnomAD exomes below 0.00001; TOPMed below 0.00001; ExAC 0.00001; gnomAD 0.00001; ESP Exome Variant Server 0.00008.
gnomAD v4.1: 7 of 1,611,292 alleles (0.00043%); highest among the groups gnomAD compares: Non-Finnish European, 0.00059%; no homozygotes.

Submission:

Labcorp Genetics (formerly Invitae), Labcorp
Classification: Uncertain significance. Last evaluated: 2024-12-02. Review status: criteria provided, single submitter. Criteria: Invitae Variant Classification Sherloc (09022015). Collection method: clinical testing. Allele origin: germline.
Comment: This sequence change replaces aspartic acid, which is acidic and polar, with alanine, which is neutral and non-polar, at codon 901 of the MICAL1 protein (p.Asp901Ala). This variant is present in population databases (rs369062311, gnomAD 0.0009%). This variant has not been reported in the literature in individuals affected with MICAL1-related conditions. ClinVar contains an entry for this variant (Variation ID: 2419310). An algorithm developed to predict the effect of missense changes on protein structure and function outputs the following: PolyPhen-2: "Benign". The alanine amino acid residue is found in multiple mammalian species, which suggests that this missense change does not adversely affect protein function. In summary, the available evidence is currently insufficient to determine the role of this variant in disease. Therefore, it has been classified as a Variant of Uncertain Significance.